The following is an entry in ClinVar:

NM_001710.6(CFB):c.1568C>T (p.Thr523Ile)

Gene: CFB (complement factor B; plus strand). Cytogenetic location: 6p21.33.
Variant type: single nucleotide variant.
Coding change: c.1568C>T on transcript NM_001710.6 (MANE Select); coding-DNA position 1568, C replaced by T.
Protein change: p.Thr523Ile; replaces threonine 523 with isoleucine.
Molecular consequence: missense variant.
Genome position (GRCh38, 1-based): chr6:31,950,347, C>T. VCF-style: chr6-31950347-C-T. GRCh37 (hg19) VCF-style: chr6-31918124-C-T.
Other names: short protein forms T523I.
Identifiers: ClinVar variation 3371326 (VCV003371326.1).

ClinVar aggregate classification (germline): Uncertain significance (1 of 4 stars; one submission).

Submission:

GeneDx
Classification: Uncertain significance. Last evaluated: 2024-03-25. Review status: criteria provided, single submitter. Criteria: GeneDx Variant Classification Process June 2021. Collection method: clinical testing. Allele origin: germline. Affected: yes.
Comment: Not observed at significant frequency in large population cohorts (gnomAD); In silico analysis supports that this missense variant has a deleterious effect on protein structure/function; Has not been previously published as pathogenic or benign to our knowledge